The following is an entry in ClinVar:

ClinVar aggregate classification (germline): Benign. Review status: criteria provided, multiple submitters, no conflicts (2 of 4 stars). 3 submissions from 3 submitters: Benign (3). Last evaluated 2024-07-31.

Allele frequency attached by ClinVar (database versions not stated): 1000 Genomes Project 0.08007; 1000 Genomes Project 30x 0.08182; gnomAD 0.10272 and 0.10396; TOPMed 0.10349; gnomAD exomes 0.11776.
gnomAD v4.1: 174,461 of 1,501,530 alleles (12%); highest among the groups gnomAD compares: Middle Eastern, 16%; 10,658 homozygotes.

Submissions (3):

Unidad de Genómica Garrahan, Hospital de Pediatría Garrahan
Classification: Benign. Last evaluated: 2024-07-31. Review status: criteria provided, single submitter. Criteria: ACMG Guidelines, 2015. Collection method: clinical testing. Allele origin: germline. Affected: no. Observed: 19 variant alleles.
Comment: This variant is classified as Benign based on local population frequency. This variant was detected in 20% of patients studied in a panel designed for Epileptic and Developmental Encephalopathy, Progressive Myoclonus Epilepsy and Abnormal Movements and Neurodegeneration with brain iron accumulation. Number of patients: 19. Only high quality variants are reported.

GeneDx
Classification: Benign. Last evaluated: 2018-06-23. Review status: criteria provided, single submitter. Criteria: GeneDx Variant Classification Process June 2021. Collection method: clinical testing. Allele origin: germline. Affected: yes.

Breakthrough Genomics
Classification: Benign. Review status: criteria provided, single submitter. Criteria: ACMG Guidelines, 2015. Collection method: not provided. Allele origin: germline. Inheritance: Autosomal recessive inheritance. Affected: yes.

NM_001004127.3(ALG11):c.1207+62A>G

Genes: ALG11 (ALG11 alpha-1,2-mannosyltransferase; plus strand), UTP14C (UTP14C small subunit processome component; plus strand). Cytogenetic location: 13q14.3.
Variant type: single nucleotide variant.
Coding change: c.1207+62A>G on transcript NM_001004127.3 (MANE Select); 62 bases into the intron after coding-DNA position 1207, A replaced by G.
Molecular consequence: intron variant.
Genome position (GRCh38, 1-based): chr13:52,024,999, A>G. VCF-style: chr13-52024999-A-G. GRCh37 (hg19) VCF-style: chr13-52599135-A-G.
Other names: c.-487+62A>G (NM_021645.6).
Identifiers: ClinVar variation 1242428 (VCV001242428.6), dbSNP rs41292790, ClinGen allele CA15788387.
Genomic context (GRCh38, chr13:52,024,999, plus strand): 5'-TGAGTTTGGCCTTTAAACAACTTGTTTGGTGCCATGAGATACACATTTTAAGTTCTTTTG[A>G]TAAAATGATAATACTCTGGAAATCTGCATCATGCCCTAATTCTCTTGCCCTCATCCACCA-3'